The following is an entry in ClinVar:

NM_002439.5(MSH3):c.680G>C (p.Ser227Thr)

Gene: MSH3 (mutS homolog 3; plus strand). Cytogenetic location: 5q14.1.
Variant type: single nucleotide variant.
Coding change: c.680G>C on transcript NM_002439.5 (MANE Select); coding-DNA position 680, G replaced by C.
Protein change: p.Ser227Thr; replaces serine 227 with threonine.
Molecular consequence: missense variant.
Genome position (GRCh38, 1-based): chr5:80,670,197, G>C. VCF-style: chr5-80670197-G-C. GRCh37 (hg19) VCF-style: chr5-79966016-G-C.
Other names: short protein forms S227T.
Identifiers: ClinVar variation 4722000 (VCV004722000.1).

ClinVar aggregate classification (germline): Uncertain significance (1 of 4 stars; one submission).

Submission:

Labcorp Genetics (formerly Invitae), Labcorp
Classification: Uncertain significance. Last evaluated: 2025-06-23. Review status: criteria provided, single submitter. Criteria: Invitae Variant Classification Sherloc (09022015). Collection method: clinical testing. Allele origin: germline.
Comment: This sequence change replaces serine, which is neutral and polar, with threonine, which is neutral and polar, at codon 227 of the MSH3 protein (p.Ser227Thr). This variant is not present in population databases (gnomAD no frequency). This variant has not been reported in the literature in individuals affected with MSH3-related conditions. An algorithm developed to predict the effect of missense changes on protein structure and function (PolyPhen-2) suggests that this variant is likely to be tolerated. In summary, the available evidence is currently insufficient to determine the role of this variant in disease. Therefore, it has been classified as a Variant of Uncertain Significance.